The following is an entry in ClinVar:

NM_004612.4(TGFBR1):c.102dup (p.Gln35fs)

Gene: TGFBR1 (transforming growth factor beta receptor 1; plus strand). Cytogenetic location: 9q22.33.
Variant type: Duplication.
Coding change: c.102dup on transcript NM_004612.4 (MANE Select); coding-DNA position 102, one base duplicated (A; older notation c.102dupA).
Protein change: p.Gln35fs; shifts the reading frame from glutamine 35.
Molecular consequence: frameshift variant.
Genome position (GRCh38, 1-based): chr9:99,128,859, A duplicated. VCF-style (leftmost placement, unchanged base first): chr9-99128858-T-TA. GRCh37 (hg19) VCF-style: chr9-101891140-T-TA.
Other names: c.102dup, p.Gln35fs (NM_001130916.3, NM_001306210.2); short protein forms Q35fs.
Identifiers: ClinVar variation 1445913 (VCV001445913.6), dbSNP rs2118563240, ClinGen allele CA2573144938.

ClinVar aggregate classification (germline): Pathogenic (1 of 4 stars; one submission).

Conditions:
Familial thoracic aortic aneurysm and aortic dissection (TAAD). Also called: Thoracic aortic aneurysms and dissections. Identifiers: Orphanet 91387, MedGen C4707243, MONDO:0019625.

Submission:

Labcorp Genetics (formerly Invitae), Labcorp
Classification: Pathogenic for Familial thoracic aortic aneurysm and aortic dissection. Last evaluated: 2023-05-26. Review status: criteria provided, single submitter. Criteria: Invitae Variant Classification Sherloc (09022015). Collection method: clinical testing. Allele origin: germline.
Comment: For these reasons, this variant has been classified as Pathogenic. ClinVar contains an entry for this variant (Variation ID: 1445913). This variant has not been reported in the literature in individuals affected with TGFBR1-related conditions. This variant is not present in population databases (gnomAD no frequency). This sequence change creates a premature translational stop signal (p.Gln35Thrfs*40) in the TGFBR1 gene. It is expected to result in an absent or disrupted protein product. Loss-of-function variants in TGFBR1 are known to be pathogenic (PMID: 21358634).

Literature cited by the submitters: PubMed 21358634.